The following is an entry in ClinVar:

ClinVar aggregate classification (germline): Uncertain significance. Review status: criteria provided, multiple submitters, no conflicts (2 of 4 stars). 3 submissions from 3 submitters: Uncertain significance (3). Last evaluated 2025-06-12.

Conditions:
Cardiac arrhythmia. Also called: Arrhythmia; Cardiac rhythm disease. Identifiers: MedGen C0003811, MONDO:0007263, HP:0011675.
Long QT syndrome (LQTS). Identifiers: MedGen C0023976, MeSH D008133, MONDO:0002442. Disease mechanism: loss of function. Inheritance: Various modes of inheritance.
Cardiovascular phenotype. Identifiers: MedGen CN230736.

Allele frequency attached by ClinVar (database versions not stated): TOPMed below 0.00001; gnomAD exomes 0.00001; ExAC 0.00002.
gnomAD v4.1: 9 of 1,614,206 alleles (0.00056%); highest among the groups gnomAD compares: Admixed American, 0.0017%; no homozygotes.

Submissions (3):

Labcorp Genetics (formerly Invitae), Labcorp
Classification: Uncertain significance for Long QT syndrome. Last evaluated: 2025-06-12. Review status: criteria provided, single submitter. Criteria: Invitae Variant Classification Sherloc (09022015). Collection method: clinical testing. Allele origin: germline.
Comment: This sequence change replaces arginine, which is basic and polar, with cysteine, which is neutral and slightly polar, at codon 326 of the KCNH2 protein (p.Arg326Cys). This variant is present in population databases (rs759079349, gnomAD 0.003%). This variant has not been reported in the literature in individuals affected with KCNH2-related conditions. ClinVar contains an entry for this variant (Variation ID: 1040723). An algorithm developed to predict the effect of missense changes on protein structure and function (PolyPhen-2) suggests that this variant is likely to be disruptive. In summary, the available evidence is currently insufficient to determine the role of this variant in disease. Therefore, it has been classified as a Variant of Uncertain Significance.

Color Diagnostics, LLC DBA Color Health
Classification: Uncertain significance for Cardiac arrhythmia. Last evaluated: 2024-03-26. Review status: criteria provided, single submitter. Criteria: ACMG Guidelines, 2015. Collection method: clinical testing. Allele origin: germline.
Comment: This missense variant replaces arginine with cysteine at codon 326 of the KCNH2 protein. Computational prediction is inconclusive regarding the impact of this variant on protein structure and function. To our knowledge, functional studies have not been reported for this variant. This variant has not been reported in individuals affected with KCNH2-related disorders in the literature. This variant has been identified in 3/250792 chromosomes in the general population by the Genome Aggregation Database (gnomAD). The available evidence is insufficient to determine the role of this variant in disease conclusively. Therefore, this variant is classified as a Variant of Uncertain Significance.

Ambry Genetics
Classification: Uncertain significance for Cardiovascular phenotype. Last evaluated: 2021-09-30. Review status: criteria provided, single submitter. Criteria: Ambry Variant Classification Scheme 2023. Collection method: clinical testing. Allele origin: germline.
Comment: The p.R326C variant (also known as c.976C>T), located in coding exon 5 of the KCNH2 gene, results from a C to T substitution at nucleotide position 976. The arginine at codon 326 is replaced by cysteine, an amino acid with highly dissimilar properties. This amino acid position is well conserved in available vertebrate species. In addition, the in silico prediction for this alteration is inconclusive. Since supporting evidence is limited at this time, the clinical significance of this alteration remains unclear.

NM_000238.4(KCNH2):c.976C>T (p.Arg326Cys)

Gene: KCNH2 (potassium voltage-gated channel subfamily H member 2; minus strand). Cytogenetic location: 7q36.1.
Variant type: single nucleotide variant.
Coding change: c.976C>T on transcript NM_000238.4 (MANE Select); coding-DNA position 976, C replaced by T.
Protein change: p.Arg326Cys; replaces arginine 326 with cysteine.
Molecular consequence: missense variant.
Genome position (GRCh38, 1-based): chr7:150,957,443, G>A on the plus strand (C>T on the coding strand, the complement: KCNH2 is on the minus strand). VCF-style: chr7-150957443-G-A. GRCh37 (hg19) VCF-style: chr7-150654531-G-A.
Other names: c.688C>T, p.Arg230Cys (NM_001406753.1, NM_001406756.1); c.799C>T, p.Arg267Cys (NM_001406755.1); c.676C>T, p.Arg226Cys (NM_001406757.1); c.976C>T, p.Arg326Cys (NM_172056.3); short protein forms R326C, R267C, R226C, R230C.
Identifiers: ClinVar variation 1040723 (VCV001040723.11), dbSNP rs759079349, ClinGen allele CA041320.